The following is an entry in ClinVar:

NM_017986.4(SLC52A1):c.65G>A (p.Gly22Asp)

Gene: SLC52A1 (solute carrier family 52 member 1; minus strand). Cytogenetic location: 17p13.2.
Variant type: single nucleotide variant.
Coding change: c.65G>A on transcript NM_017986.4 (MANE Select); coding-DNA position 65, G replaced by A.
Protein change: p.Gly22Asp; replaces glycine 22 with aspartic acid.
Molecular consequence: missense variant.
Genome position (GRCh38, 1-based): chr17:5,034,542, C>T on the plus strand (G>A on the coding strand, the complement: SLC52A1 is on the minus strand). VCF-style: chr17-5034542-C-T. GRCh37 (hg19) VCF-style: chr17-4937837-C-T.
Other names: c.65G>A, p.Gly22Asp (NM_001104577.2); short protein forms G22D.
Identifiers: ClinVar variation 2881660 (VCV002881660.3), dbSNP rs1380539401, ClinGen allele CA397334119.

ClinVar aggregate classification (germline): Uncertain significance (1 of 4 stars; one submission).

Conditions:
Vitamin B2 deficiency. Identifiers: MedGen C0035528.

Submission:

Labcorp Genetics (formerly Invitae), Labcorp
Classification: Uncertain significance for Vitamin B2 deficiency. Last evaluated: 2023-11-02. Review status: criteria provided, single submitter. Criteria: Invitae Variant Classification Sherloc (09022015). Collection method: clinical testing. Allele origin: germline.
Comment: This sequence change replaces glycine, which is neutral and non-polar, with aspartic acid, which is acidic and polar, at codon 22 of the SLC52A1 protein (p.Gly22Asp). This variant is not present in population databases (gnomAD no frequency). This variant has not been reported in the literature in individuals affected with SLC52A1-related conditions. Advanced modeling of protein sequence and biophysical properties (such as structural, functional, and spatial information, amino acid conservation, physicochemical variation, residue mobility, and thermodynamic stability) performed at Invitae indicates that this missense variant is expected to disrupt SLC52A1 protein function with a positive predictive value of 80%. In summary, the available evidence is currently insufficient to determine the role of this variant in disease. Therefore, it has been classified as a Variant of Uncertain Significance.